The following is an entry in ClinVar:

ClinVar aggregate classification (germline): Uncertain significance (1 of 4 stars; one submission).

Submission:

CeGaT Center for Human Genetics Tuebingen
Classification: Uncertain significance. Last evaluated: 2022-07-01. Review status: criteria provided, single submitter. Criteria: CeGaT Center For Human Genetics Tuebingen Variant Classification Criteria Version 2. Collection method: clinical testing. Allele origin: germline. Affected: yes. Observed: 1 variant allele.
Comment: FGFR1: PM2

NM_023110.3(FGFR1):c.*1046A>G

Genes: FGFR1 (fibroblast growth factor receptor 1; minus strand), LOC102723716 (uncharacterized LOC102723716; minus strand). Cytogenetic location: 8p11.23.
Variant type: single nucleotide variant.
Coding change: c.*1046A>G on transcript NM_023110.3 (MANE Select); 1046 bases downstream of the stop codon, A replaced by G.
Molecular consequence: 3 prime UTR variant. On other transcripts: non-coding transcript variant (1), missense variant (3).
Genome position (GRCh38, 1-based): chr8:38,412,582, T>C on the plus strand (A>G on the coding strand, the complement: FGFR1 is on the minus strand). VCF-style: chr8-38412582-T-C. GRCh37 (hg19) VCF-style: chr8-38270100-T-C.
Other names: c.*1046A>G (NM_001174063.2, NM_001174064.2, NM_001174065.2 and 7 more transcripts); c.2300A>G, p.Asp767Gly (NM_001354367.2); c.2294A>G, p.Asp765Gly (NM_001354369.2); c.2033A>G, p.Asp678Gly (NM_001354370.2); short protein forms D678G, D765G, D767G.
Identifiers: ClinVar variation 2658544 (VCV002658544.24), dbSNP rs1814729926, ClinGen allele CA2686964184.
Genomic context (GRCh38, chr8:38,412,582, plus strand): 5'-AGACATCTTCTTTTTCTGACTTTCCAAAAGCAGCGGAGAGGCAGGAGGTGCGTCGTGAGG[T>C]CTGGGTGCAGGACCTAGGAAGAAGAGGTTACAAGGAACCTGCGCCGGGAGCATGCGGTGC-3'